The following is an entry in ClinVar:

NM_003738.5(PTCH2):c.2661C>T (p.His887=)

Gene: PTCH2 (patched 2; minus strand). Cytogenetic location: 1p34.1.
Variant type: single nucleotide variant.
Coding change: c.2661C>T on transcript NM_003738.5 (MANE Select); coding-DNA position 2661, C replaced by T.
Protein change: p.His887=; no amino-acid change (histidine 887 retained).
Molecular consequence: synonymous variant.
Genome position (GRCh38, 1-based): chr1:44,826,936, G>A on the plus strand (C>T on the coding strand, the complement: PTCH2 is on the minus strand). VCF-style: chr1-44826936-G-A. GRCh37 (hg19) VCF-style: chr1-45292608-G-A.
Other names: c.2661C>T, p.His887= (NM_001166292.2).
Identifiers: ClinVar variation 524627 (VCV000524627.37), dbSNP rs149815763, ClinGen allele CA822943.

ClinVar aggregate classification (germline): Likely benign. Review status: criteria provided, multiple submitters, no conflicts (2 of 4 stars). 3 submissions from 3 submitters: Likely benign (3). Last evaluated 2026-03-01.

Conditions:
Basal cell carcinoma, susceptibility to, 1. Also called: BCC1. Identifiers: MedGen C2751544, MONDO:0011556, OMIM 605462.
Gorlin syndrome. Also called: Nevoid Basal Cell Carcinoma Syndrome; Basal cell nevus syndrome. Identifiers: Orphanet 377, MedGen C0004779, MONDO:0007187.
Medulloblastoma (MDB). Also called: Medulloblastoma, somatic; MEDULLOBLASTOMA PREDISPOSITION SYNDROME. Identifiers: Orphanet 616, MedGen C0025149, MeSH D008527, MONDO:0007959, OMIM 155255, HP:0002885.

Allele frequency attached by ClinVar (database versions not stated): ExAC 0.00011; gnomAD exomes 0.00013 and 0.00025; gnomAD 0.00016 and 0.00017; TOPMed 0.00021; ESP Exome Variant Server 0.00046.
gnomAD v4.1: 397 of 1,613,906 alleles (0.025%); highest among the groups gnomAD compares: Non-Finnish European, 0.03%; no homozygotes.

Submissions (3):

CeGaT Center for Human Genetics Tuebingen
Classification: Likely benign. Last evaluated: 2026-03-01. Review status: criteria provided, single submitter. Criteria: CeGaT Center For Human Genetics Tuebingen Variant Classification Criteria Version 2. Collection method: clinical testing. Allele origin: germline. Affected: yes. Observed: 2 variant alleles.
Comment: PTCH2: BP4, BP7

Labcorp Genetics (formerly Invitae), Labcorp
Classification: Likely benign for Gorlin syndrome. Last evaluated: 2025-07-16. Review status: criteria provided, single submitter. Criteria: Invitae Variant Classification Sherloc (09022015). Collection method: clinical testing. Allele origin: germline.

Fulgent Genetics
Classification: Likely benign for Basal cell nevus syndrome 1; Medulloblastoma; Basal cell carcinoma, susceptibility to, 1. Last evaluated: 2021-11-24. Review status: criteria provided, single submitter. Criteria: ACMG Guidelines, 2015. Collection method: clinical testing. Allele origin: unknown.